The following is an entry in ClinVar:

ClinVar aggregate classification (germline): Likely benign (1 of 4 stars; one submission).

Allele frequency attached by ClinVar (database versions not stated): gnomAD exomes below 0.00001 and 0.00001.
gnomAD v4.1: 3 of 1,551,558 alleles (0.00019%); no homozygotes.

Submission:

GeneDx
Classification: Likely benign. Last evaluated: 2018-01-05. Review status: criteria provided, single submitter. Criteria: GeneDx Variant Classification (06012015). Collection method: clinical testing. Allele origin: germline. Affected: yes.
Comment: This variant is considered likely benign or benign based on one or more of the following criteria: it is a conservative change, it occurs at a poorly conserved position in the protein, it is predicted to be benign by multiple in silico algorithms, and/or has population frequency not consistent with disease.

NM_000304.4(PMP22):c.-8C>A

Gene: PMP22 (peripheral myelin protein 22; minus strand). Cytogenetic location: 17p12.
Variant type: single nucleotide variant.
Coding change: c.-8C>A on transcript NM_000304.4 (MANE Select); 8 bases upstream of the start codon, C replaced by A.
Molecular consequence: 5 prime UTR variant.
Genome position (GRCh38, 1-based): chr17:15,260,735, G>T on the plus strand (C>A on the coding strand, the complement: PMP22 is on the minus strand). VCF-style: chr17-15260735-G-T. GRCh37 (hg19) VCF-style: chr17-15164052-G-T.
Other names: c.-8C>A (NM_001281455.2, NM_001281456.2, NM_001330143.2 and 2 more transcripts).
Identifiers: ClinVar variation 514333 (VCV000514333.1), dbSNP rs1389345226, ClinGen allele CA624937086.